The following is an entry in ClinVar:

ClinVar aggregate classification (germline): Uncertain significance (1 of 4 stars; one submission).

Conditions:
Kabuki syndrome 2 (KABUK2). Also called: KDM6A-Related Kabuki Syndrome. Identifiers: Orphanet 2322, MedGen C3275495, MONDO:0010465, OMIM 300867.

Submission:

Neuberg Centre For Genomic Medicine, NCGM
Classification: Uncertain significance for Kabuki syndrome 2. Last evaluated: 2023-05-20. Review status: criteria provided, single submitter. Criteria: ACMG Guidelines, 2015. Collection method: clinical testing. Allele origin: germline. Inheritance: X-linked dominant inheritance. Affected: yes.
Comment: The observed missense c.4194T>G (p.Asn1398Lys) variant in KDM6A gene has not been reported previously as a pathogenic variant nor as a benign variant, to our knowledge. The p.Asn1398Lys variant is absent in gnomAD Exomes. This variant has not been submitted to the ClinVar database. The amino acid change p.Asn1398Lys in KDM6A is predicted as conserved by GERP++ and PhyloP across 100 vertebrates. The amino acid Asn at position 1398 is changed to a Lys changing protein sequence and it might alter its composition and physico-chemical properties. Computational evidence (Polyphen - Benign, SIFT - Tolerated and MutationTaster - Disease Causing) predicts conflicting evidence on protein structure and function for this variant. For these reasons, this variant has been classified as a Variant of Uncertain Significance (VUS).

NM_001291415.2(KDM6A):c.4194T>G (p.Asn1398Lys)

Gene: KDM6A (lysine demethylase 6A; plus strand). Cytogenetic location: Xp11.3.
Variant type: single nucleotide variant.
Coding change: c.4194T>G on transcript NM_001291415.2 (MANE Select); coding-DNA position 4194, T replaced by G.
Protein change: p.Asn1398Lys; replaces asparagine 1398 with lysine.
Molecular consequence: missense variant. On other transcripts: non-coding transcript variant (1).
Genome position (GRCh38, 1-based): chrX:45,110,111, T>G. VCF-style: chrX-45110111-T-G. GRCh37 (hg19) VCF-style: chrX-44969356-T-G.
Other names: c.3801T>G, p.Asn1267Lys (NM_001291418.2); c.3150T>G, p.Asn1050Lys (NM_001291421.2); c.4059T>G, p.Asn1353Lys (NM_001291416.2); c.3903T>G, p.Asn1301Lys (NM_001291417.2); c.3936T>G, p.Asn1312Lys (NM_001410742.1); c.4302T>G, p.Asn1434Lys (NM_001419809.1); c.4200T>G, p.Asn1400Lys (NM_001419810.1); c.4167T>G, p.Asn1389Lys (NM_001419811.1); and 5 more; short protein forms N1050K, N1267K, N1301K, N1303K, N1312K, N1346K, N1348K, N1353K.
Identifiers: ClinVar variation 3341469 (VCV003341469.1).